The following is an entry in ClinVar:

ClinVar aggregate classification (germline): Uncertain significance. Review status: criteria provided, multiple submitters, no conflicts (2 of 4 stars). 2 submissions from 2 submitters: Uncertain significance (2). Last evaluated 2022-02-24.

Allele frequency attached by ClinVar (database versions not stated): ExAC 0.00001; gnomAD 0.00001; gnomAD exomes 0.00001 and 0.00002; TOPMed 0.00001.
gnomAD v4.1: 24 of 1,613,618 alleles (0.0015%); highest among the groups gnomAD compares: Middle Eastern, 0.066%; no homozygotes.

Submissions (2):

Labcorp Genetics (formerly Invitae), Labcorp
Classification: Uncertain significance. Last evaluated: 2022-02-24. Review status: criteria provided, single submitter. Criteria: Invitae Variant Classification Sherloc (09022015). Collection method: clinical testing. Allele origin: germline.
Comment: This sequence change replaces arginine, which is basic and polar, with tryptophan, which is neutral and slightly polar, at codon 97 of the RDH11 protein (p.Arg97Trp). The frequency data for this variant in the population databases is considered unreliable, as metrics indicate poor data quality at this position in the gnomAD database. This variant has not been reported in the literature in individuals affected with RDH11-related conditions. Algorithms developed to predict the effect of missense changes on protein structure and function are either unavailable or do not agree on the potential impact of this missense change (SIFT: "Deleterious"; PolyPhen-2: "Probably Damaging"; Align-GVGD: "Class C0"). In summary, the available evidence is currently insufficient to determine the role of this variant in disease. Therefore, it has been classified as a Variant of Uncertain Significance.

Blueprint Genetics
Classification: Uncertain significance. Last evaluated: 2021-11-09. Review status: criteria provided, single submitter. Criteria: ACMG Guidelines, 2015. Collection method: clinical testing. Allele origin: germline.

NM_016026.4(RDH11):c.289C>T (p.Arg97Trp)

Genes: GPHN (gephyrin; plus strand), RDH11 (retinol dehydrogenase 11; minus strand). Cytogenetic location: 14q24.1.
Variant type: single nucleotide variant.
Coding change: c.289C>T on transcript NM_016026.4 (MANE Select); coding-DNA position 289, C replaced by T.
Protein change: p.Arg97Trp; replaces arginine 97 with tryptophan.
Molecular consequence: missense variant.
Genome position (GRCh38, 1-based): chr14:67,692,498, G>A on the plus strand (C>T on the coding strand, the complement: RDH11 is on the minus strand). VCF-style: chr14-67692498-G-A. GRCh37 (hg19) VCF-style: chr14-68159215-G-A.
Other names: c.289C>T, p.Arg97Trp (NM_001252650.2); short protein forms R97W.
Identifiers: ClinVar variation 1354828 (VCV001354828.6), dbSNP rs752811983, ClinGen allele CA7238444.